The following is an entry in ClinVar:

ClinVar aggregate classification (germline): Benign/Likely benign. Review status: criteria provided, multiple submitters, no conflicts (2 of 4 stars). 2 submissions from 2 submitters: Benign (1); Likely benign (1). Last evaluated 2025-08-31.

Conditions:
Progressive sclerosing poliodystrophy (MTDPS4A). Also called: ALPERS DIFFUSE DEGENERATION OF CEREBRAL GRAY MATTER WITH HEPATIC CIRRHOSIS; Alpers-Huttenlocher Syndrome; Alpers Syndrome; Mitochondrial DNA depletion syndrome 4A (Alpers type); NEURONAL DEGENERATION OF CHILDHOOD WITH LIVER DISEASE, PROGRESSIVE; Mitochondrial DNA Depletion Syndrome 4A. Identifiers: Orphanet 726, MedGen C0205710, MONDO:0008758, OMIM 203700.

Allele frequency attached by ClinVar (database versions not stated): ExAC 0.00002; ESP Exome Variant Server 0.00008.
gnomAD v4.1: 10 of 1,605,716 alleles (0.00062%); highest among the groups gnomAD compares: Admixed American, 0.0083%; no homozygotes.

Submissions (2):

Labcorp Genetics (formerly Invitae), Labcorp
Classification: Likely benign for Progressive sclerosing poliodystrophy. Last evaluated: 2025-08-31. Review status: criteria provided, single submitter. Criteria: Invitae Variant Classification Sherloc (09022015). Collection method: clinical testing. Allele origin: germline.

GeneDx
Classification: Benign. Last evaluated: 2013-10-28. Review status: criteria provided, single submitter. Criteria: GeneDx Variant Classification (06012015). Collection method: clinical testing. Allele origin: germline. Affected: yes.
Comment: This variant is considered likely benign or benign based on one or more of the following criteria: it is a conservative change, it occurs at a poorly conserved position in the protein, it is predicted to be benign by multiple in silico algorithms, and/or has population frequency not consistent with disease.

NM_002693.3(POLG):c.660-11A>G

Genes: POLG (DNA polymerase gamma, catalytic subunit; minus strand), POLGARF (POLG alternative reading frame; minus strand). Cytogenetic location: 15q26.1.
Variant type: single nucleotide variant.
Coding change: c.660-11A>G on transcript NM_002693.3 (MANE Select); 11 bases into the intron before coding-DNA position 660, A replaced by G.
Molecular consequence: intron variant.
Genome position (GRCh38, 1-based): chr15:89,330,287, T>C on the plus strand (A>G on the coding strand, the complement: POLG is on the minus strand). VCF-style: chr15-89330287-T-C. GRCh37 (hg19) VCF-style: chr15-89873518-T-C.
Other names: c.660-11A>G (NM_001126131.2).
Identifiers: ClinVar variation 138768 (VCV000138768.12), dbSNP rs369731644, ClinGen allele CA292860.